The following is an entry in ClinVar:

NM_003070.5(SMARCA2):c.4391T>C (p.Leu1464Pro)

Gene: SMARCA2 (SWI/SNF related BAF chromatin remodeling complex subunit ATPase 2; plus strand). Cytogenetic location: 9p24.3.
Variant type: single nucleotide variant.
Coding change: c.4391T>C on transcript NM_003070.5 (MANE Select); coding-DNA position 4391, T replaced by C.
Protein change: p.Leu1464Pro; replaces leucine 1464 with proline.
Molecular consequence: missense variant.
Genome position (GRCh38, 1-based): chr9:2,182,172, T>C. VCF-style: chr9-2182172-T-C. GRCh37 (hg19) VCF-style: chr9-2182172-T-C.
Other names: c.4391T>C, p.Leu1464Pro (NM_001289396.2); c.4163T>C, p.Leu1388Pro (NM_001289397.2); c.365T>C, p.Leu122Pro (NM_001289398.2); c.449T>C, p.Leu150Pro (NM_001289399.2); c.455T>C, p.Leu152Pro (NM_001289400.2); c.4337T>C, p.Leu1446Pro (NM_139045.4); short protein forms L1464P, L150P, L1388P, L152P, L1446P, L122P.
Identifiers: ClinVar variation 3679166 (VCV003679166.2).
Genomic context (GRCh38, chr9:2,182,172, plus strand): 5'-TTCTCCATTTTCTCCAAAATTTCCATCAGGAAAGGATTCGTAATCATAAGTACCGGAGCC[T>C]AGGCGACCTGGAGAAGGATGTCATGCTTCTCTGTCACAACGCTCAGACGTTCAACCTGGA-3'
Protein context (NP_003061.3, residues 1454-1474): ERIRNHKYRS[Leu1464Pro]GDLEKDVMLL

ClinVar aggregate classification (germline): Uncertain significance (1 of 4 stars; one submission).

gnomAD v4.1: 3 of 1,613,438 alleles (0.00019%); highest among the groups gnomAD compares: Admixed American, 0.0033%; no homozygotes.

Submission:

Labcorp Genetics (formerly Invitae), Labcorp
Classification: Uncertain significance. Last evaluated: 2025-01-13. Review status: criteria provided, single submitter. Criteria: Invitae Variant Classification Sherloc (09022015). Collection method: clinical testing. Allele origin: germline.
Comment: This sequence change replaces leucine, which is neutral and non-polar, with proline, which is neutral and non-polar, at codon 1464 of the SMARCA2 protein (p.Leu1464Pro). This variant is present in population databases (no rsID available, gnomAD 0.006%). This variant has not been reported in the literature in individuals affected with SMARCA2-related conditions. Invitae Evidence Modeling of protein sequence and biophysical properties (such as structural, functional, and spatial information, amino acid conservation, physicochemical variation, residue mobility, and thermodynamic stability) indicates that this missense variant is not expected to disrupt SMARCA2 protein function with a negative predictive value of 80%. In summary, the available evidence is currently insufficient to determine the role of this variant in disease. Therefore, it has been classified as a Variant of Uncertain Significance.